The following is an entry in ClinVar:

NM_024675.4(PALB2):c.426G>C (p.Lys142Asn)

Gene: PALB2 (partner and localizer of BRCA2; minus strand). Cytogenetic location: 16p12.2.
Variant type: single nucleotide variant.
Coding change: c.426G>C on transcript NM_024675.4 (MANE Select); coding-DNA position 426, G replaced by C.
Protein change: p.Lys142Asn; replaces lysine 142 with asparagine.
Molecular consequence: missense variant. On other transcripts: 5 prime UTR variant (8), intron variant (3).
Genome position (GRCh38, 1-based): chr16:23,636,120, C>G on the plus strand (G>C on the coding strand, the complement: PALB2 is on the minus strand). VCF-style: chr16-23636120-C-G. GRCh37 (hg19) VCF-style: chr16-23647441-C-G.
Other names: c.366G>C, p.Lys122Asn (NM_001407296.1); c.426G>C, p.Lys142Asn (NM_001407297.1, NM_001407298.1, NM_001407299.1 and 3 more transcripts); c.-460G>C (NM_001407304.1, NM_001407305.1, NM_001407306.1 and 5 more transcripts); c.48+4990G>C (NM_001407314.1); c.-105+4990G>C (NM_001407313.1, NM_001407312.1); short protein forms K142N, K122N.
Identifiers: ClinVar variation 5026177 (VCV005026177.1).

ClinVar aggregate classification (germline): Uncertain significance (1 of 4 stars; one submission).

Conditions:
Hereditary cancer-predisposing syndrome. Also called: Neoplastic Syndromes, Hereditary; Tumor predisposition; Hereditary neoplastic syndrome; Hereditary Cancer Syndrome. Identifiers: Orphanet 140162, MedGen C0027672, MeSH D009386, MONDO:0015356.

Submission:

Ambry Genetics
Classification: Uncertain significance for Hereditary cancer-predisposing syndrome. Last evaluated: 2026-07-18. Review status: criteria provided, single submitter. Criteria: Ambry Variant Classification Scheme 2023. Collection method: clinical testing. Allele origin: germline.
Comment: The p.K142N variant (also known as c.426G>C), located in coding exon 4 of the PALB2 gene, results from a G to C substitution at nucleotide position 426. The lysine at codon 142 is replaced by asparagine, an amino acid with similar properties. This amino acid position is conserved. In addition, this alteration is predicted to be tolerated by in silico analysis. Based on the available evidence, the clinical significance of this variant remains unclear.